The following is an entry in ClinVar:

NM_000268.4(NF2):c.614T>C (p.Met205Thr)

Gene: NF2 (NF2, moesin-ezrin-radixin like (MERLIN) tumor suppressor; plus strand). Cytogenetic location: 22q12.2.
Variant type: single nucleotide variant.
Coding change: c.614T>C on transcript NM_000268.4 (MANE Select); coding-DNA position 614, T replaced by C.
Protein change: p.Met205Thr; replaces methionine 205 with threonine.
Molecular consequence: missense variant. On other transcripts: non-coding transcript variant (1), intron variant (1).
Genome position (GRCh38, 1-based): chr22:29,658,203, T>C. VCF-style: chr22-29658203-T-C. GRCh37 (hg19) VCF-style: chr22-30054192-T-C.
Other names: c.614T>C, p.Met205Thr (NM_016418.5, NM_181825.3, NM_181832.3); c.488T>C, p.Met163Thr (NM_181828.3); c.491T>C, p.Met164Thr (NM_181829.3); c.365T>C, p.Met122Thr (NM_181830.3, NM_181831.3); c.447+15918T>C (NM_181833.3); short protein forms M205T, M122T, M163T, M164T.
Identifiers: ClinVar variation 412210 (VCV000412210.16), dbSNP rs747871414, ClinGen allele CA034466.

ClinVar aggregate classification (germline): Conflicting classifications of pathogenicity. Review status: criteria provided, conflicting classifications (1 of 4 stars). 5 submissions from 5 submitters: Uncertain significance (3); Likely benign (2). Last evaluated 2025-10-23.

Conditions:
Hereditary cancer-predisposing syndrome. Also called: Tumor predisposition; Hereditary Cancer Syndrome; Hereditary neoplastic syndrome; Neoplastic Syndromes, Hereditary. Identifiers: Orphanet 140162, MedGen C0027672, MeSH D009386, MONDO:0015356.
Neurofibromatosis, type 2 (SWNV). Also called: SCHWANNOMATOSIS, VESTIBULAR; NF2-Related Schwannomatosis; BILATERAL ACOUSTIC NEUROFIBROMATOSIS. Identifiers: Orphanet 637, MedGen C0027832, MONDO:0007039, OMIM 101000. Disease mechanism: loss of function.

Allele frequency attached by ClinVar (database versions not stated): ExAC 0.00001; gnomAD 0.00001 and 0.00002; gnomAD exomes 0.00001; TOPMed 0.00001.

Submissions (5):

Labcorp Genetics (formerly Invitae), Labcorp
Classification: Likely benign for Neurofibromatosis, type 2. Last evaluated: 2025-10-23. Review status: criteria provided, single submitter. Criteria: Invitae Variant Classification Sherloc (09022015). Collection method: clinical testing. Allele origin: germline.

Ambry Genetics
Classification: Likely benign for Hereditary cancer-predisposing syndrome. Last evaluated: 2024-08-23. Review status: criteria provided, single submitter. Criteria: Ambry Variant Classification Scheme 2023. Collection method: clinical testing. Allele origin: germline.

All of Us Research Program, National Institutes of Health
Classification: Uncertain significance for Neurofibromatosis, type 2. Last evaluated: 2024-05-30. Review status: criteria provided, single submitter. Criteria: ACMG Guidelines, 2015. Collection method: clinical testing. Allele origin: germline. Inheritance: Autosomal dominant inheritance. Observed: 2 variant alleles, 2 heterozygotes.
Comment: This missense variant replaces methionine with threonine at codon 205 of the NF2 protein. Computational prediction suggests that this variant may have deleterious impact on protein structure and function (internally defined REVEL score threshold >= 0.7, PMID: 27666373). To our knowledge, functional studies have not been reported for this variant. This variant has not been reported in individuals affected with NF2-related disorders in the literature. This variant has been identified in 3/251484 chromosomes in the general population by the Genome Aggregation Database (gnomAD). The available evidence is insufficient to determine the role of this variant in disease conclusively. Therefore, this variant is classified as a Variant of Uncertain Significance.

This study involves interpretation of variants in research participants for the purpose of population health screening. Participant phenotype was not available at the time of variant classification. Additional details can be found in publication PMID: 35346344, PMCID: PMC8962531

Color Diagnostics, LLC DBA Color Health
Classification: Uncertain significance for Neurofibromatosis, type 2. Last evaluated: 2024-05-16. Review status: criteria provided, single submitter. Criteria: ACMG Guidelines, 2015. Collection method: clinical testing. Allele origin: germline.
Comment: This missense variant replaces methionine with threonine at codon 205 of the NF2 protein. Computational prediction suggests that this variant may have deleterious impact on protein structure and function. To our knowledge, functional studies have not been reported for this variant. This variant has not been reported in individuals affected with NF2-related disorders in the literature. This variant has been identified in 3/251484 chromosomes in the general population by the Genome Aggregation Database (gnomAD). The available evidence is insufficient to determine the role of this variant in disease conclusively. Therefore, this variant is classified as a Variant of Uncertain Significance.

Sema4
Classification: Uncertain significance for Hereditary cancer-predisposing syndrome. Last evaluated: 2022-03-08. Review status: criteria provided, single submitter. Criteria: Sema4 Curation Guidelines. Collection method: curation. Allele origin: germline.
Comment: The NF2 c.614T>C (p.M205T) variant has not been reported in the literature to our knowledge. It was observed in 2/34588 chromosomes of the Latino (AMR) subpopulation in the large and broad cohorts of the Genome Aggregation Database (PMID: 32461654). This variant has been reported in ClinVar (Variation ID 412210). In silico tools suggest the impact of the variant on protein function is deleterious, though these predictions have not been confirmed by functional studies. The evidence is insufficient to meet ACMG/AMP criteria for classifying the variant as benign or pathogenic. Thus, the clinical significance of this variant is currently uncertain.